The following is an entry in ClinVar:

ClinVar aggregate classification (germline): Uncertain significance (1 of 4 stars; one submission).

Conditions:
Tuberous sclerosis 2 (TSC2). Identifiers: Orphanet 805, MedGen C1860707, MONDO:0013199, OMIM 613254.

Submission:

Labcorp Genetics (formerly Invitae), Labcorp
Classification: Uncertain significance for Tuberous sclerosis 2. Last evaluated: 2021-05-18. Review status: criteria provided, single submitter. Criteria: Invitae Variant Classification Sherloc (09022015). Collection method: clinical testing. Allele origin: germline.
Comment: This variant is not present in population databases (ExAC no frequency). In summary, the available evidence is currently insufficient to determine the role of this variant in disease. Therefore, it has been classified as a Variant of Uncertain Significance. Advanced modeling of protein sequence and biophysical properties (such as structural, functional, and spatial information, amino acid conservation, physicochemical variation, residue mobility, and thermodynamic stability) performed at Invitae indicates that this missense variant is not expected to disrupt TSC2 protein function. This variant has not been reported in the literature in individuals with TSC2-related conditions. This sequence change replaces phenylalanine with leucine at codon 176 of the TSC2 protein (p.Phe176Leu). The phenylalanine residue is highly conserved and there is a small physicochemical difference between phenylalanine and leucine.

NM_000548.5(TSC2):c.528C>A (p.Phe176Leu)

Gene: TSC2 (TSC complex subunit 2; plus strand). Cytogenetic location: 16p13.3.
Variant type: single nucleotide variant.
Coding change: c.528C>A on transcript NM_000548.5 (MANE Select); coding-DNA position 528, C replaced by A.
Protein change: p.Phe176Leu; replaces phenylalanine 176 with leucine.
Molecular consequence: missense variant. On other transcripts: intron variant (1).
Genome position (GRCh38, 1-based): chr16:2,055,448, C>A. VCF-style: chr16-2055448-C-A. GRCh37 (hg19) VCF-style: chr16-2105449-C-A.
Other names: c.528C>A, p.Phe176Leu (NM_001077183.3, NM_001114382.3, NM_001363528.2 and 3 more transcripts); c.417C>A, p.Phe139Leu (NM_001318827.2); c.381C>A, p.Phe127Leu (NM_001318829.2); c.561C>A, p.Phe187Leu (NM_001318832.2); c.-1-748C>A (NM_001318831.2); short protein forms F139L, F176L, F187L, F127L.
Identifiers: ClinVar variation 1354572 (VCV001354572.8), dbSNP rs2151059657, ClinGen allele CA394309343.